The following is an entry in ClinVar:

NM_000264.5(PTCH1):c.2178dup (p.Cys727fs)

Genes: PTCH1 (patched 1; minus strand), LOC100507346 (uncharacterized LOC100507346; plus strand). Cytogenetic location: 9q22.32.
Variant type: Duplication.
Coding change: c.2178dup on transcript NM_000264.5 (MANE Select); coding-DNA position 2178, one base duplicated (C; older notation c.2178dupC).
Protein change: p.Cys727fs; shifts the reading frame from cysteine 727.
Molecular consequence: frameshift variant. On other transcripts: non-coding transcript variant (2).
Genome position (GRCh38, 1-based): chr9:95,468,823, G duplicated on the plus strand (C on the coding strand, the reverse complement: PTCH1 is on the minus strand); the first of 6 consecutive G bases (chr9:95,468,823-95,468,828); duplicating any one gives the same sequence. VCF-style (leftmost placement, unchanged base first): chr9-95468822-A-AG. GRCh37 (hg19) VCF-style: chr9-98231104-A-AG.
Other names: c.1980dup, p.Cys661fs (NM_001083602.3); c.2175dup, p.Cys726fs (NM_001083603.3); c.1725dup, p.Cys576fs (NM_001083604.3, NM_001083605.3, NM_001083606.3 and 1 more transcripts); c.2022dup, p.Cys675fs (NM_001354918.2); c.2178dupC (NM_000264.3); short protein forms C576fs, C661fs, C675fs, C726fs, C727fs.
Identifiers: ClinVar variation 1072731 (VCV001072731.10), dbSNP rs2118030407, ClinGen allele CA645567447.
Genomic context (GRCh38, chr9:95,468,822, plus strand): 5'-GTTTCAAGAGGAAAGGAGCATAGTGCTTCTCAGCAAAAGATGAGAGTGTCCACTTCGTAC[A>AG]GGGGGGCTCGAGGCAGTGGAGGCTGGAGTCGGAGAACTGGGAGAGCAGGTCCCTTGTGGA-3'

ClinVar aggregate classification (germline): Pathogenic. Review status: criteria provided, multiple submitters, no conflicts (2 of 4 stars). 3 submissions from 3 submitters: Pathogenic (3). Last evaluated 2023-07-31.

Conditions:
Hereditary cancer-predisposing syndrome. Also called: Neoplastic Syndromes, Hereditary; Hereditary neoplastic syndrome; Tumor predisposition; Hereditary Cancer Syndrome. Identifiers: Orphanet 140162, MedGen C0027672, MeSH D009386, MONDO:0015356.
Gorlin syndrome. Also called: Basal cell nevus syndrome; Nevoid Basal Cell Carcinoma Syndrome. Identifiers: Orphanet 377, MedGen C0004779, MONDO:0007187.

Submissions (3):

GeneDx
Classification: Pathogenic. Last evaluated: 2023-07-31. Review status: criteria provided, single submitter. Criteria: GeneDx Variant Classification Process June 2021. Collection method: clinical testing. Allele origin: germline. Affected: yes.
Comment: Frameshift variant predicted to result in protein truncation or nonsense mediated decay in a gene for which loss of function is a known mechanism of disease; Not observed at significant frequency in large population cohorts (gnomAD); This variant is associated with the following publications: (PMID: 12925203)

Ambry Genetics
Classification: Pathogenic for Hereditary cancer-predisposing syndrome. Last evaluated: 2023-06-12. Review status: criteria provided, single submitter. Criteria: Ambry Variant Classification Scheme 2023. Collection method: clinical testing. Allele origin: germline.
Comment: The c.2178dupC pathogenic mutation, located in coding exon 14 of the PTCH1 gene, results from a duplication of C at nucleotide position 2178, causing a translational frameshift with a predicted alternate stop codon (p.C727Lfs*11). This variant is considered to be rare based on population cohorts in the Genome Aggregation Database (gnomAD). This alteration has been observed in at least one individual with a personal and/or family history that is consistent with PTCH1-related disease (Ambry internal data). This alteration is expected to result in loss of function by premature protein truncation or nonsense-mediated mRNA decay. As such, this alteration is interpreted as a disease-causing mutation.

Labcorp Genetics (formerly Invitae), Labcorp
Classification: Pathogenic for Gorlin syndrome. Last evaluated: 2022-04-02. Review status: criteria provided, single submitter. Criteria: Invitae Variant Classification Sherloc (09022015). Collection method: clinical testing. Allele origin: germline.
Comment: This sequence change creates a premature translational stop signal (p.Cys727Leufs*11) in the PTCH1 gene. It is expected to result in an absent or disrupted protein product. Loss-of-function variants in PTCH1 are known to be pathogenic (PMID: 16301862, 16419085). This variant is not present in population databases (gnomAD no frequency). This premature translational stop signal has been observed in individual(s) with basal cell nevus syndrome (PMID: 12925203). This variant is also known as c2178insC. ClinVar contains an entry for this variant (Variation ID: 1072731). For these reasons, this variant has been classified as Pathogenic.

Literature cited by the submitters: PubMed 16301862 (cited by Labcorp Genetics (formerly Invitae), Labcorp); PubMed 16419085 (cited by Labcorp Genetics (formerly Invitae), Labcorp); PubMed 12925203 (cited by Labcorp Genetics (formerly Invitae), Labcorp).